The following is an entry in ClinVar:

ClinVar aggregate classification (germline): Benign/Likely benign. Review status: criteria provided, multiple submitters, no conflicts (2 of 4 stars). 2 submissions from 2 submitters: Benign (1); Likely benign (1). Last evaluated 2023-01-01.

Conditions:
CBL-related disorder. Also called: NOONAN SYNDROME-LIKE DISORDER WITHOUT JUVENILE MYELOMONOCYTIC LEUKEMIA; CBL MUTATION-ASSOCIATED SYNDROME; CBL SYNDROME. Identifiers: Orphanet 363972, MedGen C3150803, MONDO:0013308, OMIM 613563.

Allele frequency attached by ClinVar (database versions not stated): 1000 Genomes Project 0.00080; 1000 Genomes Project 30x 0.00094; TOPMed 0.00144; gnomAD 0.00271 and 0.00285; gnomAD exomes 0.00338.
gnomAD v4.1: 1,211 of 400,250 alleles (0.3%); highest among the groups gnomAD compares: Non-Finnish European, 0.3%; 5 homozygotes.

Submissions (2):

CeGaT Center for Human Genetics Tuebingen
Classification: Likely benign. Last evaluated: 2023-01-01. Review status: criteria provided, single submitter. Criteria: CeGaT Center For Human Genetics Tuebingen Variant Classification Criteria Version 2. Collection method: clinical testing. Allele origin: germline. Affected: yes. Observed: 2 variant alleles.
Comment: CBL: BS1

Illumina Laboratory Services, Illumina
Classification: Benign for CBL-related disorder. Last evaluated: 2018-01-12. Review status: criteria provided, single submitter. Criteria: ICSL Variant Classification Criteria 13 December 2019. Collection method: clinical testing. Allele origin: germline.
Comment: This variant was observed in the ICSL laboratory as part of a predisposition screen in an ostensibly healthy population. It had not been previously curated by ICSL or reported in the Human Gene Mutation Database (HGMD: prior to June 1st, 2018), and was therefore a candidate for classification through an automated scoring system. Utilizing variant allele frequency, disease prevalence and penetrance estimates, and inheritance mode, an automated score was calculated to assess if this variant is too frequent to cause the disease. Based on the score and internal cut-off values, a variant classified as benign is not then subjected to further curation. The score for this variant resulted in a classification of benign for this disease.

NM_005188.4(CBL):c.*567G>A

Gene: CBL (Cbl proto-oncogene; plus strand). Cytogenetic location: 11q23.3.
Variant type: single nucleotide variant.
Coding change: c.*567G>A on transcript NM_005188.4 (MANE Select); 567 bases downstream of the stop codon, G replaced by A.
Molecular consequence: 3 prime UTR variant.
Genome position (GRCh38, 1-based): chr11:119,300,348, G>A. VCF-style: chr11-119300348-G-A. GRCh37 (hg19) VCF-style: chr11-119171058-G-A.
Identifiers: ClinVar variation 302795 (VCV000302795.29), dbSNP rs573261482, ClinGen allele CA10637836.